The following is an entry in ClinVar:

ClinVar aggregate classification (germline): Uncertain significance (1 of 4 stars; one submission).

Allele frequency attached by ClinVar (database versions not stated): gnomAD exomes below 0.00001; ExAC 0.00001; TOPMed 0.00001.
gnomAD v4.1: 2 of 1,611,646 alleles (0.00012%); highest among the groups gnomAD compares: Admixed American, 0.0033%; no homozygotes.

Submission:

Labcorp Genetics (formerly Invitae), Labcorp
Classification: Uncertain significance. Last evaluated: 2022-08-09. Review status: criteria provided, single submitter. Criteria: Invitae Variant Classification Sherloc (09022015). Collection method: clinical testing. Allele origin: germline.
Comment: In summary, the available evidence is currently insufficient to determine the role of this variant in disease. Therefore, it has been classified as a Variant of Uncertain Significance. Algorithms developed to predict the effect of missense changes on protein structure and function are either unavailable or do not agree on the potential impact of this missense change (SIFT: "Deleterious"; PolyPhen-2: "Probably Damaging"; Align-GVGD: "Class C0"). This variant has not been reported in the literature in individuals affected with NSD1-related conditions. This variant is present in population databases (rs754265990, gnomAD 0.003%). This sequence change replaces lysine, which is basic and polar, with glutamine, which is neutral and polar, at codon 1425 of the NSD1 protein (p.Lys1425Gln).

NM_022455.5(NSD1):c.4273A>C (p.Lys1425Gln)

Gene: NSD1 (nuclear receptor binding SET domain protein 1; plus strand). Cytogenetic location: 5q35.3.
Variant type: single nucleotide variant.
Coding change: c.4273A>C on transcript NM_022455.5 (MANE Select); coding-DNA position 4273, A replaced by C.
Protein change: p.Lys1425Gln; replaces lysine 1425 with glutamine.
Molecular consequence: missense variant.
Genome position (GRCh38, 1-based): chr5:177,239,836, A>C. VCF-style: chr5-177239836-A-C. GRCh37 (hg19) VCF-style: chr5-176666837-A-C.
Other names: c.3400A>C, p.Lys1134Gln (NM_001365684.2, NM_001409306.1, NM_001409307.1 and 3 more transcripts); c.4273A>C, p.Lys1425Gln (NM_001409301.1, NM_001409302.1, NM_001409303.1); c.3853A>C, p.Lys1285Gln (NM_001409304.1); c.3520A>C, p.Lys1174Gln (NM_001409305.1); short protein forms K1134Q, K1156Q, K1285Q, K1425Q, K1174Q.
Identifiers: ClinVar variation 1900225 (VCV001900225.5), dbSNP rs754265990, ClinGen allele CA3577600.
Genomic context (GRCh38, chr5:177,239,836, plus strand): 5'-CAAAGAAAACCAACTAAGAAACTTCTTGAATCCAATGATTTAGACCCTGGATTTATGCCC[A>C]AGAAGGGGGACCTTGGCCTTTCTAAAAAGGTATGTTATTTTTGTAAGTTCTAAAAGAAAT-3'
Protein context (NP_071900.2, residues 1415-1435): SNDLDPGFMP[Lys1425Gln]KGDLGLSKKC